The following is an entry in ClinVar:

ClinVar aggregate classification (germline): Uncertain significance. Review status: criteria provided, multiple submitters, no conflicts (2 of 4 stars). 2 submissions from 2 submitters: Uncertain significance (2). Last evaluated 2022-08-23.

Conditions:
Inborn genetic diseases. Identifiers: MedGen C0950123, MeSH D030342.

Allele frequency attached by ClinVar (database versions not stated): gnomAD exomes 0.00003; TOPMed 0.00001; ExAC 0.00003.
gnomAD v4.1: 4 of 1,613,932 alleles (0.00025%); highest among the groups gnomAD compares: Admixed American, 0.0067%; no homozygotes.

Submissions (2):

Labcorp Genetics (formerly Invitae), Labcorp
Classification: Uncertain significance. Last evaluated: 2022-08-23. Review status: criteria provided, single submitter. Criteria: Invitae Variant Classification Sherloc (09022015). Collection method: clinical testing. Allele origin: germline.
Comment: In summary, the available evidence is currently insufficient to determine the role of this variant in disease. Therefore, it has been classified as a Variant of Uncertain Significance. Algorithms developed to predict the effect of missense changes on protein structure and function are either unavailable or do not agree on the potential impact of this missense change (SIFT: "Deleterious"; PolyPhen-2: "Benign"; Align-GVGD: "Class C0"). ClinVar contains an entry for this variant (Variation ID: 1445855). This variant has not been reported in the literature in individuals affected with ERCC2-related conditions. This variant is present in population databases (rs771820925, gnomAD 0.01%). This sequence change replaces glutamic acid, which is acidic and polar, with aspartic acid, which is acidic and polar, at codon 419 of the ERCC2 protein (p.Glu419Asp).

Ambry Genetics
Classification: Uncertain significance for Inborn genetic diseases. Last evaluated: 2021-09-16. Review status: criteria provided, single submitter. Criteria: Ambry Variant Classification Scheme 2023. Collection method: clinical testing. Allele origin: germline.

NM_000400.4(ERCC2):c.1257G>T (p.Glu419Asp)

Gene: ERCC2 (ERCC excision repair 2, TFIIH core complex helicase subunit; minus strand). Cytogenetic location: 19q13.32.
Variant type: single nucleotide variant.
Coding change: c.1257G>T on transcript NM_000400.4 (MANE Select); coding-DNA position 1257, G replaced by T.
Protein change: p.Glu419Asp; replaces glutamic acid 419 with aspartic acid.
Molecular consequence: missense variant.
Genome position (GRCh38, 1-based): chr19:45,357,680, C>A on the plus strand (G>T on the coding strand, the complement: ERCC2 is on the minus strand). VCF-style: chr19-45357680-C-A. GRCh37 (hg19) VCF-style: chr19-45860938-C-A.
Other names: short protein forms E419D.
Identifiers: ClinVar variation 1445855 (VCV001445855.7), dbSNP rs771820925, ClinGen allele CA9513393.